The following is an entry in ClinVar:

ClinVar aggregate classification (germline): Likely benign (0 of 4 stars; one submission).

Conditions:
MUC16-related disorder. Also called: MUC16-related condition.

Submission:

PreventionGenetics, part of Exact Sciences
Classification: Likely benign for MUC16-related condition. Last evaluated: 2019-09-18. Review status: no assertion criteria provided. Collection method: clinical testing. Allele origin: germline.
Comment: This variant is classified as likely benign based on ACMG/AMP sequence variant interpretation guidelines (Richards et al. 2015 PMID: 25741868, with internal and published modifications).

NM_001401501.2(MUC16):c.37230C>T (p.Thr12410=)

Gene: MUC16 (mucin 16, cell surface associated; minus strand). Cytogenetic location: 19p13.2.
Variant type: single nucleotide variant.
Coding change: c.37230C>T on transcript NM_001401501.2 (MANE Select); coding-DNA position 37230, C replaced by T.
Protein change: p.Thr12410=; no amino-acid change (threonine 12410 retained).
Molecular consequence: synonymous variant.
Genome position (GRCh38, 1-based): chr19:8,913,813, G>A on the plus strand (C>T on the coding strand, the complement: MUC16 is on the minus strand). VCF-style: chr19-8913813-G-A. GRCh37 (hg19) VCF-style: chr19-9024489-G-A.
Other names: c.37656C>T, p.Thr12552= (NM_001414686.1); c.37110C>T, p.Thr12370= (NM_001414687.1); c.37044C>T, p.Thr12348= (NM_024690.2).
Identifiers: ClinVar variation 3043939 (VCV003043939.2), dbSNP rs1223363390, ClinGen allele CA505287445.